The following is an entry in ClinVar:

ClinVar aggregate classification (germline): Likely benign (1 of 4 stars; one submission).

gnomAD v4.1: 4,834 of 1,609,708 alleles (0.3%); highest among the groups gnomAD compares: South Asian, 0.51%; 19 homozygotes.

Submission:

CeGaT Center for Human Genetics Tuebingen
Classification: Likely benign. Last evaluated: 2026-05-01. Review status: criteria provided, single submitter. Criteria: CeGaT Center For Human Genetics Tuebingen Variant Classification Criteria Version 2. Collection method: clinical testing. Allele origin: germline. Affected: yes. Observed: 9 variant alleles.
Comment: PPFIA3: BP4, BS2

NM_003660.4(PPFIA3):c.2240+7A>C

Gene: PPFIA3 (PPFI scaffold protein A3; plus strand). Cytogenetic location: 19q13.33.
Variant type: single nucleotide variant.
Coding change: c.2240+7A>C on transcript NM_003660.4 (MANE Select); 7 bases into the intron after coding-DNA position 2240, A replaced by C.
Molecular consequence: intron variant.
Genome position (GRCh38, 1-based): chr19:49,139,838, A>C. VCF-style: chr19-49139838-A-C. GRCh37 (hg19) VCF-style: chr19-49643095-A-C.
Identifiers: ClinVar variation 3770825 (VCV003770825.13).
Genomic context (GRCh38, chr19:49,139,838, plus strand): 5'-GGCCTTGGCACTGCAGGCGGGGTCCCTGGAAGATGGGGGACCCCCACGGGGAAGGTCAGC[A>C]GGGACAAGGGATAGGGACAGGGAGAAGCTGGCTTGGGAAGATGAGAAGGGGGTGGACAAG-3'